The following is an entry in ClinVar:

NM_005732.4(RAD50):c.2134C>T (p.Leu712Phe)

Gene: RAD50 (RAD50 double strand break repair protein; plus strand). Cytogenetic location: 5q31.1.
Variant type: single nucleotide variant.
Coding change: c.2134C>T on transcript NM_005732.4 (MANE Select); coding-DNA position 2134, C replaced by T.
Protein change: p.Leu712Phe; replaces leucine 712 with phenylalanine.
Molecular consequence: missense variant.
Genome position (GRCh38, 1-based): chr5:132,595,737, C>T. VCF-style: chr5-132595737-C-T. GRCh37 (hg19) VCF-style: chr5-131931429-C-T.
Other names: short protein forms L712F.
Identifiers: ClinVar variation 2565942 (VCV002565942.2), dbSNP rs2479652193, ClinGen allele CA360950351.

ClinVar aggregate classification (germline): Uncertain significance (1 of 4 stars; one submission).

Conditions:
Hereditary cancer-predisposing syndrome. Also called: Neoplastic Syndromes, Hereditary; Hereditary Cancer Syndrome; Hereditary neoplastic syndrome; Tumor predisposition. Identifiers: Orphanet 140162, MedGen C0027672, MeSH D009386, MONDO:0015356.

Submission:

Ambry Genetics
Classification: Uncertain significance for Hereditary cancer-predisposing syndrome. Last evaluated: 2023-05-02. Review status: criteria provided, single submitter. Criteria: Ambry Variant Classification Scheme 2023. Collection method: clinical testing. Allele origin: germline.
Comment: The p.L712F variant (also known as c.2134C>T), located in coding exon 13 of the RAD50 gene, results from a C to T substitution at nucleotide position 2134. The leucine at codon 712 is replaced by phenylalanine, an amino acid with highly similar properties. This amino acid position is conserved. In addition, the in silico prediction for this alteration is inconclusive. Since supporting evidence is limited at this time, the clinical significance of this alteration remains unclear.